The following is an entry in ClinVar:

ClinVar aggregate classification (germline): Uncertain significance (1 of 4 stars; one submission).

gnomAD v4.1: 1 of 152,194 alleles (0.00066%); highest among the groups gnomAD compares: Non-Finnish European, 0.0015%; no homozygotes.

Submission:

Greenwood Genetic Center Diagnostic Laboratories, Greenwood Genetic Center
Classification: Uncertain significance. Last evaluated: 2025-04-18. Review status: criteria provided, single submitter. Criteria: ACMG Guidelines, 2015. Collection method: clinical testing. Allele origin: germline. Affected: yes.
Comment: PM2, PM3, BP7

NM_001127178.3(PIGG):c.2069+335G>A

Gene: PIGG (phosphatidylinositol glycan anchor biosynthesis class G (EMM blood group); plus strand). Cytogenetic location: 4p16.3.
Variant type: single nucleotide variant.
Coding change: c.2069+335G>A on transcript NM_001127178.3 (MANE Select); 335 bases into the intron after coding-DNA position 2069, G replaced by A.
Molecular consequence: intron variant.
Genome position (GRCh38, 1-based): chr4:524,248, G>A. VCF-style: chr4-524248-G-A. GRCh37 (hg19) VCF-style: chr4-518037-G-A.
Other names: c.971+335G>A (NM_001345994.2); c.1802+335G>A (NM_001345986.2, NM_001289051.2); c.1778+335G>A (NM_001345987.2); c.536+335G>A (NM_001345991.2, NM_001345990.2); c.1040+335G>A (NM_001345988.2); c.2045+335G>A (NM_017733.5); c.1670+335G>A (NM_001289052.2).
Identifiers: ClinVar variation 4538370 (VCV004538370.1).